The following is an entry in ClinVar:

ClinVar aggregate classification (germline): Uncertain significance. Review status: criteria provided, multiple submitters, no conflicts (2 of 4 stars). 2 submissions from 2 submitters: Uncertain significance (2). Last evaluated 2026-07-28.

Conditions:
Inborn genetic diseases. Identifiers: MedGen C0950123, MeSH D030342.
VPS13B-related disorder. Also called: VPS13B-related condition.

gnomAD v4.1: 11 of 1,614,036 alleles (0.00068%); highest among the groups gnomAD compares: African/African-American, 0.015%; no homozygotes.

Submissions (2):

Ambry Genetics
Classification: Uncertain significance for Inborn genetic diseases. Last evaluated: 2026-07-28. Review status: criteria provided, single submitter. Criteria: Ambry Variant Classification Scheme 2023. Collection method: clinical testing. Allele origin: germline.
Comment: The c.5746C>T (p.L1916F) alteration is located in exon 34 (coding exon 33) of the VPS13B gene. This alteration results from a C to T substitution at nucleotide position 5746, causing the leucine (L) at amino acid position 1916 to be replaced by a phenylalanine (F). Based on data from gnomAD, the T allele has an overall frequency of 0.003% (7/282670) total alleles studied. The highest observed frequency was 0.028% (7/24974) of African alleles. Based on insufficient or conflicting evidence, the clinical significance of this alteration remains unclear.

PreventionGenetics, part of Exact Sciences
Classification: Uncertain significance for VPS13B-related condition. Last evaluated: 2025-09-27. Review status: criteria provided, single submitter. Criteria: ACMG Guidelines, 2015. Collection method: clinical testing. Allele origin: germline.
Comment: The VPS13B c.5671C>T variant is predicted to result in the amino acid substitution p.Leu1891Phe. To our knowledge, this variant has not been reported in the literature. This variant is reported in 0.028% of alleles in individuals of African descent in gnomAD. At this time, the clinical significance of this variant is uncertain due to the absence of conclusive functional and genetic evidence.

NM_152564.5(VPS13B):c.5671C>T (p.Leu1891Phe)

Gene: VPS13B (vacuolar protein sorting 13 homolog B; plus strand). Cytogenetic location: 8q22.2.
Variant type: single nucleotide variant.
Coding change: c.5671C>T on transcript NM_152564.5 (MANE Select); coding-DNA position 5671, C replaced by T.
Protein change: p.Leu1891Phe; replaces leucine 1891 with phenylalanine.
Molecular consequence: missense variant.
Genome position (GRCh38, 1-based): chr8:99,642,261, C>T. VCF-style: chr8-99642261-C-T. GRCh37 (hg19) VCF-style: chr8-100654489-C-T.
Other names: c.5746C>T, p.Leu1916Phe (NM_017890.5); c.5746C>T (NM_017890.3); short protein forms L1916F, L1891F.
Identifiers: ClinVar variation 4979599 (VCV004979599.2).